The following is an entry in ClinVar:

NM_003835.4(RGS9):c.533A>G (p.Tyr178Cys)

Gene: RGS9 (regulator of G protein signaling 9; plus strand). Cytogenetic location: 17q24.1.
Variant type: single nucleotide variant.
Coding change: c.533A>G on transcript NM_003835.4 (MANE Select); coding-DNA position 533, A replaced by G.
Protein change: p.Tyr178Cys; replaces tyrosine 178 with cysteine.
Molecular consequence: missense variant.
Genome position (GRCh38, 1-based): chr17:65,168,232, A>G. VCF-style: chr17-65168232-A-G. GRCh37 (hg19) VCF-style: chr17-63164350-A-G.
Other names: c.533A>G, p.Tyr178Cys (NM_001081955.3, NM_001165933.2); short protein forms Y178C.
Identifiers: ClinVar variation 963791 (VCV000963791.9), dbSNP rs1911271501, ClinGen allele CA400666408.

ClinVar aggregate classification (germline): Uncertain significance. Review status: criteria provided, multiple submitters, no conflicts (2 of 4 stars). 2 submissions from 2 submitters: Uncertain significance (2). Last evaluated 2023-06-05.

Conditions:
Inborn genetic diseases. Identifiers: MedGen C0950123, MeSH D030342.

Allele frequency attached by ClinVar (database versions not stated): gnomAD exomes below 0.00001.
gnomAD v4.1: 3 of 1,611,680 alleles (0.00019%); highest among the groups gnomAD compares: South Asian, 0.0033%; no homozygotes.

Submissions (2):

Ambry Genetics
Classification: Uncertain significance for Inborn genetic diseases. Last evaluated: 2023-06-05. Review status: criteria provided, single submitter. Criteria: Ambry Variant Classification Scheme 2023. Collection method: clinical testing. Allele origin: germline.

Labcorp Genetics (formerly Invitae), Labcorp
Classification: Uncertain significance. Last evaluated: 2022-08-31. Review status: criteria provided, single submitter. Criteria: Invitae Variant Classification Sherloc (09022015). Collection method: clinical testing. Allele origin: germline.
Comment: This sequence change replaces tyrosine, which is neutral and polar, with cysteine, which is neutral and slightly polar, at codon 178 of the RGS9 protein (p.Tyr178Cys). This variant is not present in population databases (gnomAD no frequency). This variant has not been reported in the literature in individuals affected with RGS9-related conditions. ClinVar contains an entry for this variant (Variation ID: 963791). Algorithms developed to predict the effect of missense changes on protein structure and function output the following: SIFT: "Tolerated"; PolyPhen-2: "Benign"; Align-GVGD: "Class C0". The cysteine amino acid residue is found in multiple mammalian species, which suggests that this missense change does not adversely affect protein function. In summary, the available evidence is currently insufficient to determine the role of this variant in disease. Therefore, it has been classified as a Variant of Uncertain Significance.